The following is an entry in ClinVar:

NM_006904.7(PRKDC):c.2468A>G (p.Gln823Arg)

Gene: PRKDC (protein kinase, DNA-activated, catalytic subunit; minus strand). Cytogenetic location: 8q11.21.
Variant type: single nucleotide variant.
Coding change: c.2468A>G on transcript NM_006904.7 (MANE Select); coding-DNA position 2468, A replaced by G.
Protein change: p.Gln823Arg; replaces glutamine 823 with arginine.
Molecular consequence: missense variant.
Genome position (GRCh38, 1-based): chr8:47,918,335, T>C on the plus strand (A>G on the coding strand, the complement: PRKDC is on the minus strand). VCF-style: chr8-47918335-T-C. GRCh37 (hg19) VCF-style: chr8-48830895-T-C.
Other names: c.2468A>G, p.Gln823Arg (NM_001081640.2); short protein forms Q823R.
Identifiers: ClinVar variation 1791713 (VCV001791713.2), dbSNP rs1238127174, ClinGen allele CA371160479.

ClinVar aggregate classification (germline): Uncertain significance (1 of 4 stars; one submission).

Allele frequency attached by ClinVar (database versions not stated): gnomAD exomes below 0.00001.
gnomAD v4.1: 1 of 1,597,200 alleles (0.000063%); highest among the groups gnomAD compares: Admixed American, 0.0017%; no homozygotes.

Submission:

Ambry Genetics
Classification: Uncertain significance. Last evaluated: 2022-04-19. Review status: criteria provided, single submitter. Criteria: Ambry Variant Classification Scheme 2023. Collection method: clinical testing. Allele origin: germline.
Comment: The p.Q823R variant (also known as c.2468A>G), located in coding exon 22 of the PRKDC gene, results from an A to G substitution at nucleotide position 2468. The glutamine at codon 823 is replaced by arginine, an amino acid with highly similar properties. This amino acid position is conserved. In addition, this alteration is predicted to be tolerated by in silico analysis. Since supporting evidence is limited at this time, the clinical significance of this alteration remains unclear.